The following is an entry in ClinVar:

ClinVar aggregate classification (germline): Uncertain significance. Review status: criteria provided, multiple submitters, no conflicts (2 of 4 stars). 2 submissions from 2 submitters: Uncertain significance (2). Last evaluated 2023-12-05.

Conditions:
Hereditary cancer-predisposing syndrome. Also called: Neoplastic Syndromes, Hereditary; Tumor predisposition; Hereditary Cancer Syndrome; Hereditary neoplastic syndrome. Identifiers: Orphanet 140162, MedGen C0027672, MeSH D009386, MONDO:0015356.

Submissions (2):

Color Diagnostics, LLC DBA Color Health
Classification: Uncertain significance for Hereditary cancer-predisposing syndrome. Last evaluated: 2023-12-05. Review status: criteria provided, single submitter. Criteria: ACMG Guidelines, 2015. Collection method: clinical testing. Allele origin: germline.
Comment: This missense variant replaces valine with phenylalanine at codon 517 of the ATM protein. Computational prediction suggests that this variant may not impact protein structure and function (internally defined REVEL score threshold <= 0.5, PMID: 27666373). To our knowledge, functional studies have not been reported for this variant. This variant has not been reported in individuals affected with ATM-related disorders in the literature. This variant has not been identified in the general population by the Genome Aggregation Database (gnomAD). The available evidence is insufficient to determine the role of this variant in disease conclusively. Therefore, this variant is classified as a Variant of Uncertain Significance.

Ambry Genetics
Classification: Uncertain significance for Hereditary cancer-predisposing syndrome. Last evaluated: 2017-12-08. Review status: criteria provided, single submitter. Criteria: Ambry Variant Classification Scheme 2023. Collection method: clinical testing. Allele origin: germline.
Comment: The p.V517F variant (also known as c.1549G>T), located in coding exon 9 of the ATM gene, results from a G to T substitution at nucleotide position 1549. The valine at codon 517 is replaced by phenylalanine, an amino acid with highly similar properties. This amino acid position is not well conserved in available vertebrate species. In addition, this alteration is predicted to be tolerated by in silico analysis. Since supporting evidence is limited at this time, the clinical significance of this alteration remains unclear.

NM_000051.4(ATM):c.1549G>T (p.Val517Phe)

Gene: ATM (ATM serine/threonine kinase; plus strand). Cytogenetic location: 11q22.3.
Variant type: single nucleotide variant.
Coding change: c.1549G>T on transcript NM_000051.4 (MANE Select); coding-DNA position 1549, G replaced by T.
Protein change: p.Val517Phe; replaces valine 517 with phenylalanine.
Molecular consequence: missense variant.
Genome position (GRCh38, 1-based): chr11:108,251,014, G>T. VCF-style: chr11-108251014-G-T. GRCh37 (hg19) VCF-style: chr11-108121741-G-T.
Other names: c.1549G>T, p.Val517Phe (NM_001351834.2); short protein forms V517F.
Identifiers: ClinVar variation 925055 (VCV000925055.6), dbSNP rs2080117236, ClinGen allele CA382534334.